The following is an entry in ClinVar:

NM_178857.6(RP1L1):c.2121C>G (p.Ser707Arg)

Gene: RP1L1 (RP1 like 1). Cytogenetic location: 8p23.1.
Variant type: single nucleotide variant.
Coding change: c.2121C>G on transcript NM_178857.6 (MANE Select); coding-DNA position 2121, C replaced by G.
Protein change: p.Ser707Arg; replaces serine 707 with arginine.
Molecular consequence: missense variant.
Genome position (GRCh38, 1-based): chr8:10,611,977, G>C on the plus strand (C>G on the coding strand, the complement: RP1L1 is on the minus strand). VCF-style: chr8-10611977-G-C. GRCh37 (hg19) VCF-style: chr8-10469487-G-C.
Other names: short protein forms S707R.
Identifiers: ClinVar variation 2592276 (VCV002592276.3), dbSNP rs533239961, ClinGen allele CA4624935.

ClinVar aggregate classification (germline): Uncertain significance. Review status: criteria provided, multiple submitters, no conflicts (2 of 4 stars). 2 submissions from 2 submitters: Uncertain significance (2). Last evaluated 2025-10-14.

Conditions:
RP1L1-related disorder. Also called: RP1L1-related condition.
Inborn genetic diseases. Identifiers: MedGen C0950123, MeSH D030342.

Allele frequency attached by ClinVar (database versions not stated): TOPMed below 0.00001; 1000 Genomes Project 0.00020; gnomAD 0.00002; ExAC 0.00003; 1000 Genomes Project 30x 0.00016.

Submissions (2):

PreventionGenetics, part of Exact Sciences
Classification: Uncertain significance for RP1L1-related condition. Last evaluated: 2025-10-14. Review status: criteria provided, single submitter. Criteria: ACMG Guidelines, 2015. Collection method: clinical testing. Allele origin: germline.
Comment: The RP1L1 c.2121C>G variant is predicted to result in the amino acid substitution p.Ser707Arg. To our knowledge, this variant has not been reported in the literature. This variant is reported in 0.029% of alleles in individuals of South Asian descent in gnomAD. At this time, the clinical significance of this variant is uncertain due to the absence of conclusive functional and genetic evidence.

Ambry Genetics
Classification: Uncertain significance for Inborn genetic diseases. Last evaluated: 2023-08-22. Review status: criteria provided, single submitter. Criteria: Ambry Variant Classification Scheme 2023. Collection method: clinical testing. Allele origin: germline.